The following is an entry in ClinVar:

NM_000051.4(ATM):c.2125-12G>A

Gene: ATM (ATM serine/threonine kinase; plus strand). Cytogenetic location: 11q22.3.
Variant type: single nucleotide variant.
Coding change: c.2125-12G>A on transcript NM_000051.4 (MANE Select); 12 bases into the intron before coding-DNA position 2125, G replaced by A.
Molecular consequence: intron variant.
Genome position (GRCh38, 1-based): chr11:108,256,203, G>A. VCF-style: chr11-108256203-G-A. GRCh37 (hg19) VCF-style: chr11-108126930-G-A.
Other names: c.2125-12G>A (NM_001351834.2).
Identifiers: ClinVar variation 1649387 (VCV001649387.9), dbSNP rs2135391706, ClinGen allele CA915940769.
Genomic context (GRCh38, chr11:108,256,203, plus strand): 5'-GTTCTTACAAAAGATAGAGTATACTAAATTATTTATGAAATATATATATTTTTATTTGTG[G>A]TTTACTTTAAGATTACAAATTCAGAAACTCTTGTCCGGTGTTCACGTCTTTTGGTGGGTG-3'

ClinVar aggregate classification (germline): Likely benign. Review status: criteria provided, multiple submitters, no conflicts (2 of 4 stars). 2 submissions from 2 submitters: Likely benign (2). Last evaluated 2024-08-30.

Conditions:
Ataxia-telangiectasia syndrome (AT). Also called: ATAXIA-TELANGIECTASIA, COMPLEMENTATION GROUP A; ATAXIA-TELANGIECTASIA, FRESNO VARIANT; Ataxia-telangiectasia, complementation group E; Ataxia telangiectasia (A-T); Ataxia-telangiectasia, complementation group D; AT, COMPLEMENTATION GROUP C. Identifiers: Orphanet 100, MedGen C0004135, MONDO:0008840, OMIM 208900.
Familial cancer of breast. Also called: hereditary breast carcinoma; BREAST CANCER, FAMILIAL; Hereditary breast cancer. Identifiers: Orphanet 227535, MedGen C0346153, MONDO:0016419, OMIM 114480. Disease mechanism: loss of function.

Submissions (2):

Labcorp Genetics (formerly Invitae), Labcorp
Classification: Likely benign for Ataxia-telangiectasia syndrome. Last evaluated: 2024-08-30. Review status: criteria provided, single submitter. Criteria: Invitae Variant Classification Sherloc (09022015). Collection method: clinical testing. Allele origin: germline.

Myriad Genetics, Inc.
Classification: Likely benign for Familial cancer of breast. Last evaluated: 2024-05-07. Review status: criteria provided, single submitter. Criteria: Myriad Autosomal Dominant, Autosomal Recessive and X-Linked Classification Criteria (2023). Collection method: clinical testing. Allele origin: unknown.
Comment: This variant is considered likely benign. This variant is intronic and is not expected to impact mRNA splicing.